The following is an entry in ClinVar:

NM_000026.4(ADSL):c.979T>C (p.Phe327Leu)

Gene: ADSL (adenylosuccinate lyase; plus strand). Cytogenetic location: 22q13.1.
Variant type: single nucleotide variant.
Coding change: c.979T>C on transcript NM_000026.4 (MANE Select); coding-DNA position 979, T replaced by C.
Protein change: p.Phe327Leu; replaces phenylalanine 327 with leucine.
Molecular consequence: missense variant. On other transcripts: non-coding transcript variant (1).
Genome position (GRCh38, 1-based): chr22:40,361,604, T>C. VCF-style: chr22-40361604-T-C. GRCh37 (hg19) VCF-style: chr22-40757608-T-C.
Other names: c.979T>C, p.Phe327Leu (NM_001123378.3, NM_001363840.3, NM_001410812.1 and 1 more transcripts); c.787T>C, p.Phe263Leu (NM_001317923.2); c.934T>C, p.Phe312Leu (NM_001410814.1); short protein forms F312L, F263L, F327L.
Identifiers: ClinVar variation 2007900 (VCV002007900.4), dbSNP rs2518121792, ClinGen allele CA411644476.

ClinVar aggregate classification (germline): Uncertain significance (1 of 4 stars; one submission).

Conditions:
Adenylosuccinate lyase deficiency (ADSLD). Also called: ADSL DEFICIENCY. Identifiers: Orphanet 46, MedGen C0268126, MONDO:0007068, OMIM 103050.

Submission:

Labcorp Genetics (formerly Invitae), Labcorp
Classification: Uncertain significance for Adenylosuccinate lyase deficiency. Last evaluated: 2022-06-18. Review status: criteria provided, single submitter. Criteria: Invitae Variant Classification Sherloc (09022015). Collection method: clinical testing. Allele origin: germline.
Comment: In summary, the available evidence is currently insufficient to determine the role of this variant in disease. Therefore, it has been classified as a Variant of Uncertain Significance. Advanced modeling of protein sequence and biophysical properties (such as structural, functional, and spatial information, amino acid conservation, physicochemical variation, residue mobility, and thermodynamic stability) performed at Invitae indicates that this missense variant is not expected to disrupt ADSL protein function. This variant has not been reported in the literature in individuals affected with ADSL-related conditions. This variant is not present in population databases (gnomAD no frequency). This sequence change replaces phenylalanine, which is neutral and non-polar, with leucine, which is neutral and non-polar, at codon 327 of the ADSL protein (p.Phe327Leu).